The following is an entry in ClinVar:

NM_170784.3(MKKS):c.159C>T (p.Tyr53=)

Gene: MKKS (MKKS centrosomal shuttling protein; minus strand). Cytogenetic location: 20p12.2.
Variant type: single nucleotide variant.
Coding change: c.159C>T on transcript NM_170784.3 (MANE Select); coding-DNA position 159, C replaced by T.
Protein change: p.Tyr53=; no amino-acid change (tyrosine 53 retained).
Molecular consequence: synonymous variant.
Genome position (GRCh38, 1-based): chr20:10,413,356, G>A on the plus strand (C>T on the coding strand, the complement: MKKS is on the minus strand). VCF-style: chr20-10413356-G-A. GRCh37 (hg19) VCF-style: chr20-10394004-G-A.
Other names: c.159C>T, p.Tyr53= (NM_018848.3).
Identifiers: ClinVar variation 2927375 (VCV002927375.5), dbSNP rs775547196, ClinGen allele CA9763730.

ClinVar aggregate classification (germline): Likely benign. Review status: criteria provided, multiple submitters, no conflicts (2 of 4 stars). 3 submissions from 3 submitters: Likely benign (2). 1 of the submissions does not count toward it. Last evaluated 2024-10-31.

Conditions:
Bardet-Biedl syndrome (BBS). Identifiers: Orphanet 110, MedGen C0752166, MONDO:0015229.
McKusick-Kaufman syndrome (MKKS). Also called: HYDROMETROCOLPOS SYNDROME; HYDROMETROCOLPOS, POSTAXIAL POLYDACTYLY, AND CONGENITAL HEART MALFORMATION. Identifiers: Orphanet 2473, MedGen C0948368, MONDO:0009367, OMIM 236700.
MKKS-related disorder. Also called: MKKS-related disorders; MKKS-related condition.

Allele frequency attached by ClinVar (database versions not stated): gnomAD 0.00001; gnomAD exomes 0.00001; ExAC 0.00002; TOPMed 0.00002.
gnomAD v4.1: 9 of 1,613,806 alleles (0.00056%); highest among the groups gnomAD compares: Admixed American, 0.005%; no homozygotes.

Submissions (3):

Blueprint Genetics
Classification: Likely benign. Last evaluated: 2024-10-31. Review status: criteria provided, single submitter. Criteria: ACMG Guidelines, 2015. Collection method: clinical testing. Allele origin: germline.

Labcorp Genetics (formerly Invitae), Labcorp
Classification: Likely benign for McKusick-Kaufman syndrome; Bardet-Biedl syndrome. Last evaluated: 2024-03-19. Review status: criteria provided, single submitter. Criteria: Invitae Variant Classification Sherloc (09022015). Collection method: clinical testing. Allele origin: germline.

PreventionGenetics, part of Exact Sciences
Classification: Likely benign for MKKS-related condition. Last evaluated: 2022-02-14. Review status: no assertion criteria provided. Collection method: clinical testing. Allele origin: germline. Not counted in ClinVar's aggregate classification.
Comment: This variant is classified as likely benign based on ACMG/AMP sequence variant interpretation guidelines (Richards et al. 2015 PMID: 25741868, with internal and published modifications).